The following is an entry in ClinVar:

NM_013450.4(BAZ2B):c.1874A>T (p.Asp625Val)

Gene: BAZ2B (bromodomain adjacent to zinc finger domain 2B; minus strand). Cytogenetic location: 2q24.2.
Variant type: single nucleotide variant.
Coding change: c.1874A>T on transcript NM_013450.4 (MANE Select); coding-DNA position 1874, A replaced by T.
Protein change: p.Asp625Val; replaces aspartic acid 625 with valine.
Molecular consequence: missense variant.
Genome position (GRCh38, 1-based): chr2:159,432,783, T>A on the plus strand (A>T on the coding strand, the complement: BAZ2B is on the minus strand). VCF-style: chr2-159432783-T-A. GRCh37 (hg19) VCF-style: chr2-160289294-T-A.
Other names: c.1868A>T, p.Asp623Val (NM_001289975.1); c.1685A>T, p.Asp562Val (NM_001329857.2); c.1874A>T, p.Asp625Val (NM_001329858.2); short protein forms D562V, D623V, D625V.
Identifiers: ClinVar variation 4528285 (VCV004528285.1).
Genomic context (GRCh38, chr2:159,432,783, plus strand): 5'-AGAGAAATACTTTAAATTTTAAAATGAAAATAACCTGATTGGCTGTCATCAGATTCATCA[T>A]CTTCATCATCTTCCTCATCTTCTTCTTCATCATCTTCCTCTTCATCCTCATTTGAATCTT-3'
Protein context (NP_038478.2, residues 615-635): DEEEDEEDDE[Asp625Val]DESDDSQSES

ClinVar aggregate classification (germline): Uncertain significance (1 of 4 stars; one submission).

Submission:

GeneDx
Classification: Uncertain significance. Last evaluated: 2025-04-25. Review status: criteria provided, single submitter. Criteria: GeneDx Variant Classification Process June 2021. Collection method: clinical testing. Allele origin: germline. Affected: yes.
Comment: Not observed at significant frequency in large population cohorts (gnomAD); In silico analysis supports that this missense variant has a deleterious effect on protein structure/function; This variant is associated with the following publications: (PMID: 31999386, 28191890, 35982159, 25363768)